The following is an entry in ClinVar:

NM_001267550.2(TTN):c.106072G>A (p.Val35358Ile)

Genes: TTN-AS1 (TTN antisense RNA 1; plus strand), TTN (titin; minus strand), LOC129935182 (ATAC-STARR-seq lymphoblastoid active region 16807; plus strand). Cytogenetic location: 2q31.2.
Variant type: single nucleotide variant.
Coding change: c.106072G>A on transcript NM_001267550.2 (MANE Select); coding-DNA position 106072, G replaced by A.
Protein change: p.Val35358Ile; replaces valine 35358 with isoleucine.
Molecular consequence: missense variant.
Genome position (GRCh38, 1-based): chr2:178,530,543, C>T on the plus strand (G>A on the coding strand, the complement: TTN is on the minus strand). VCF-style: chr2-178530543-C-T. GRCh37 (hg19) VCF-style: chr2-179395270-C-T.
Other names: c.101149G>A, p.Val33717Ile (NM_001256850.1); c.78877G>A, p.Val26293Ile (NM_003319.4); c.98368G>A, p.Val32790Ile (NM_133378.4); c.79252G>A, p.Val26418Ile (NM_133432.3); c.79453G>A, p.Val26485Ile (NM_133437.4); short protein forms V26293I, V26485I, V32790I, V33717I, V35358I, V26418I.
Identifiers: ClinVar variation 1423364 (VCV001423364.6), dbSNP rs2154132826, ClinGen allele CA349407097.

ClinVar aggregate classification (germline): Uncertain significance (1 of 4 stars; one submission).

Conditions:
Dilated cardiomyopathy 1G (CMD1G). Identifiers: Orphanet 154, MedGen C1858763, MONDO:0011400, OMIM 604145.
Autosomal recessive limb-girdle muscular dystrophy type 2J (LGMDR10). Also called: Limb-girdle muscular dystrophy, type 2J; MUSCULAR DYSTROPHY, LIMB-GIRDLE, AUTOSOMAL RECESSIVE 10. Identifiers: Orphanet 140922, MedGen C1837342, MONDO:0012127, OMIM 608807.

Submission:

Labcorp Genetics (formerly Invitae), Labcorp
Classification: Uncertain significance for Dilated cardiomyopathy 1G; Autosomal recessive limb-girdle muscular dystrophy type 2J. Last evaluated: 2022-09-08. Review status: criteria provided, single submitter. Criteria: Invitae Variant Classification Sherloc (09022015). Collection method: clinical testing. Allele origin: germline.
Comment: This sequence change replaces valine, which is neutral and non-polar, with isoleucine, which is neutral and non-polar, at codon 35358 of the TTN protein (p.Val35358Ile). This variant is not present in population databases (gnomAD no frequency). This variant has not been reported in the literature in individuals affected with TTN-related conditions. ClinVar contains an entry for this variant (Variation ID: 1423364). Algorithms developed to predict the effect of missense changes on protein structure and function output the following: SIFT: "Not Available"; PolyPhen-2: "Not Available"; Align-GVGD: "Not Available". The isoleucine amino acid residue is found in multiple mammalian species, which suggests that this missense change does not adversely affect protein function. This variant is located in the M band of TTN (PMID: 25589632). Variants in this region may be relevant for neuromuscular disorders, but have not been definitively shown to cause cardiomyopathy (PMID: 23975875). In summary, the available evidence is currently insufficient to determine the role of this variant in disease. Therefore, it has been classified as a Variant of Uncertain Significance.

Literature cited by the submitters: PubMed 25589632; PubMed 23975875.